The following is an entry in ClinVar:

NM_003579.4(RAD54L):c.1430C>T (p.Ala477Val)

Gene: RAD54L (RAD54 like; plus strand). Cytogenetic location: 1p34.1.
Variant type: single nucleotide variant.
Coding change: c.1430C>T on transcript NM_003579.4 (MANE Select); coding-DNA position 1430, C replaced by T.
Protein change: p.Ala477Val; replaces alanine 477 with valine.
Molecular consequence: missense variant.
Genome position (GRCh38, 1-based): chr1:46,273,409, C>T. VCF-style: chr1-46273409-C-T. GRCh37 (hg19) VCF-style: chr1-46739081-C-T.
Other names: c.1430C>T, p.Ala477Val (NM_001142548.2); c.890C>T, p.Ala297Val (NM_001370766.1); short protein forms A297V, A477V.
Identifiers: ClinVar variation 2447802 (VCV002447802.2), dbSNP rs2148301435, ClinGen allele CA340180858.

ClinVar aggregate classification (germline): Uncertain significance (1 of 4 stars; one submission).

Allele frequency attached by ClinVar (database versions not stated): gnomAD exomes below 0.00001.
gnomAD v4.1: 2 of 1,614,046 alleles (0.00012%); highest among the groups gnomAD compares: Non-Finnish European, 0.00017%; no homozygotes.

Submission:

Ambry Genetics
Classification: Uncertain significance. Last evaluated: 2023-01-05. Review status: criteria provided, single submitter. Criteria: Ambry Variant Classification Scheme 2023. Collection method: clinical testing. Allele origin: germline.
Comment: The p.A477V variant (also known as c.1430C>T), located in coding exon 13 of the RAD54L gene, results from a C to T substitution at nucleotide position 1430. The alanine at codon 477 is replaced by valine, an amino acid with similar properties. This amino acid position is conserved. In addition, this alteration is predicted to be tolerated by in silico analysis. Since supporting evidence is limited at this time, the clinical significance of this alteration remains unclear.